The following is an entry in ClinVar:

ClinVar aggregate classification (germline): Uncertain significance (1 of 4 stars; one submission).

Conditions:
Cardiovascular phenotype. Identifiers: MedGen CN230736.

Submission:

Ambry Genetics
Classification: Uncertain significance for Cardiovascular phenotype. Last evaluated: 2025-04-23. Review status: criteria provided, single submitter. Criteria: Ambry Variant Classification Scheme 2023. Collection method: clinical testing. Allele origin: germline.
Comment: The p.H362Y variant (also known as c.1084C>T), located in coding exon 3 of the APOA5 gene, results from a C to T substitution at nucleotide position 1084. The histidine at codon 362 is replaced by tyrosine, an amino acid with similar properties. This amino acid position is conserved. In addition, this alteration is predicted to be tolerated by in silico analysis. Based on the available evidence, the clinical significance of this variant remains unclear.

NM_001371904.1(APOA5):c.1084C>T (p.His362Tyr)

Gene: APOA5 (apolipoprotein A5; minus strand). Cytogenetic location: 11q23.3.
Variant type: single nucleotide variant.
Coding change: c.1084C>T on transcript NM_001371904.1 (MANE Select); coding-DNA position 1084, C replaced by T.
Protein change: p.His362Tyr; replaces histidine 362 with tyrosine.
Molecular consequence: missense variant.
Genome position (GRCh38, 1-based): chr11:116,790,145, G>A on the plus strand (C>T on the coding strand, the complement: APOA5 is on the minus strand). VCF-style: chr11-116790145-G-A. GRCh37 (hg19) VCF-style: chr11-116660861-G-A.
Other names: c.1084C>T, p.His362Tyr (NM_001166598.2, NM_052968.5); short protein forms H362Y.
Identifiers: ClinVar variation 3931790 (VCV003931790.1).
Genomic context (GRCh38, chr11:116,790,145, plus strand): 5'-TCCCCAGACAAGGAGCTGGGAATGGGCCTGGGCAGGTAGATCCTCAGGGGTCCCCCAGAT[G>A]GCTGTGGCCCTGGTCATGAAGGCTGTGAGTGATGTCTTCCCACAGGTCATCCAGACGGGC-3'
Protein context (NP_001358833.1, residues 352-366): THSLHDQGHS[His362Tyr]LGDP